The following is an entry in ClinVar:

NM_006514.4(SCN10A):c.1534C>G (p.Arg512Gly)

Gene: SCN10A (sodium voltage-gated channel alpha subunit 10; minus strand). Cytogenetic location: 3p22.2.
Variant type: single nucleotide variant.
Coding change: c.1534C>G on transcript NM_006514.4 (MANE Select); coding-DNA position 1534, C replaced by G.
Protein change: p.Arg512Gly; replaces arginine 512 with glycine.
Molecular consequence: missense variant. On other transcripts: intron variant (1).
Genome position (GRCh38, 1-based): chr3:38,752,440, G>C on the plus strand (C>G on the coding strand, the complement: SCN10A is on the minus strand). VCF-style: chr3-38752440-G-C. GRCh37 (hg19) VCF-style: chr3-38793931-G-C.
Other names: c.1534C>G, p.Arg512Gly (NM_001293306.2); c.1462-2256C>G (NM_001293307.2); short protein forms R512G.
Identifiers: ClinVar variation 431375 (VCV000431375.12), dbSNP rs200714519, ClinGen allele CA2320813.

ClinVar aggregate classification (germline): Uncertain significance. Review status: criteria provided, multiple submitters, no conflicts (2 of 4 stars). 7 submissions from 7 submitters: Uncertain significance (6). 1 of the submissions does not count toward it. Last evaluated 2026-08-26.

Conditions:
SCN10A-related disorder. Also called: SCN10A-related condition.
Cardiovascular phenotype. Identifiers: MedGen CN230736.
Episodic pain syndrome, familial, 2 (FEPS2). Identifiers: Orphanet 306577, MedGen C3809893, MONDO:0014246, OMIM 615551.
Brugada syndrome. Also called: Sudden unexplained nocturnal death syndrome; Sudden unexpected nocturnal death syndrome; Sudden Unexplained Death Syndrome; Sudden Unexplained Nocturnal Death Syndrome (SUNDS). Identifiers: Orphanet 130, MedGen C1142166, MONDO:0015263.

Allele frequency attached by ClinVar (database versions not stated): TOPMed 0.00001.
gnomAD v4.1: 48 of 1,612,814 alleles (0.003%); highest among the groups gnomAD compares: Non-Finnish European, 0.0039%; no homozygotes.

Submissions (7):

GeneDx
Classification: Uncertain significance. Last evaluated: 2026-08-26. Review status: criteria provided, single submitter. Criteria: GeneDx Variant Classification Process June 2021. Collection method: clinical testing. Allele origin: germline.
Comment: Not observed at significant frequency in large population cohorts (gnomAD); In silico analysis supports that this missense variant has a deleterious effect on protein structure/function; Has not been previously published as pathogenic or benign to our knowledge

Labcorp Genetics (formerly Invitae), Labcorp
Classification: Uncertain significance for Brugada syndrome. Last evaluated: 2025-07-23. Review status: criteria provided, single submitter. Criteria: Invitae Variant Classification Sherloc (09022015). Collection method: clinical testing. Allele origin: germline.
Comment: This sequence change replaces arginine, which is basic and polar, with glycine, which is neutral and non-polar, at codon 512 of the SCN10A protein (p.Arg512Gly). This variant is present in population databases (rs200714519, gnomAD 0.002%). This variant has not been reported in the literature in individuals affected with SCN10A-related conditions. ClinVar contains an entry for this variant (Variation ID: 431375). Invitae Evidence Modeling of protein sequence and biophysical properties (such as structural, functional, and spatial information, amino acid conservation, physicochemical variation, residue mobility, and thermodynamic stability) indicates that this missense variant is not expected to disrupt SCN10A protein function with a negative predictive value of 80%. In summary, the available evidence is currently insufficient to determine the role of this variant in disease. Therefore, it has been classified as a Variant of Uncertain Significance.

Ambry Genetics
Classification: Uncertain significance for Cardiovascular phenotype. Last evaluated: 2023-07-31. Review status: criteria provided, single submitter. Criteria: Ambry Variant Classification Scheme 2023. Collection method: clinical testing. Allele origin: germline.
Comment: The p.R512G variant (also known as c.1534C>G), located in coding exon 11 of the SCN10A gene, results from a C to G substitution at nucleotide position 1534. The arginine at codon 512 is replaced by glycine, an amino acid with dissimilar properties. This amino acid position is conserved. In addition, the in silico prediction for this alteration is inconclusive. Since supporting evidence is limited at this time, the clinical significance of this alteration remains unclear.

Institute of Human Genetics, University of Leipzig Medical Center
Classification: Uncertain significance for Episodic pain syndrome, familial, 2. Last evaluated: 2019-01-01. Review status: criteria provided, single submitter. Criteria: ACMG Guidelines, 2015. Collection method: clinical testing. Allele origin: unknown. Affected: no.

Molecular Diagnostic Laboratory for Inherited Cardiovascular Disease, Montreal Heart Institute
Classification: Uncertain significance. Last evaluated: 2017-07-26. Review status: criteria provided, single submitter. Criteria: ACMG Guidelines, 2015. Collection method: clinical testing. Allele origin: germline. Affected: yes.

MVZ Martinsried, Medicover Genetics
Classification: Uncertain significance for Brugada syndrome. Last evaluated: 2017-02-14. Review status: criteria provided, single submitter. Criteria: ACMG Guidelines, 2015. Collection method: clinical testing. Allele origin: unknown.

PreventionGenetics, part of Exact Sciences
Classification: Uncertain significance for SCN10A-related condition. Last evaluated: 2024-03-12. Review status: no assertion criteria provided. Collection method: clinical testing. Allele origin: germline. Not counted in ClinVar's aggregate classification.
Comment: The SCN10A c.1534C>G variant is predicted to result in the amino acid substitution p.Arg512Gly. To our knowledge, this variant has not been reported in the literature. This variant is reported in 0.0018% of alleles in individuals of European (Non-Finnish) descent in gnomAD. At this time, the clinical significance of this variant is uncertain due to the absence of conclusive functional and genetic evidence.